The following is an entry in ClinVar:

NM_001164277.2(SLC37A4):c.675C>A (p.Tyr225Ter)

Gene: SLC37A4 (solute carrier family 37 member 4; minus strand). Cytogenetic location: 11q23.3.
Variant type: single nucleotide variant.
Coding change: c.675C>A on transcript NM_001164277.2 (MANE Select); coding-DNA position 675, C replaced by A.
Protein change: p.Tyr225Ter; replaces tyrosine 225 with a stop codon.
Molecular consequence: nonsense.
Genome position (GRCh38, 1-based): chr11:119,027,046, G>T on the plus strand (C>A on the coding strand, the complement: SLC37A4 is on the minus strand). VCF-style: chr11-119027046-G-T. GRCh37 (hg19) VCF-style: chr11-118897756-G-T.
Other names: c.675C>A, p.Tyr225Ter (NM_001164278.2, NM_001164280.2, NM_001467.6); c.456C>A, p.Tyr152Ter (NM_001164279.2); short protein forms Y152*, Y225*.
Identifiers: ClinVar variation 841551 (VCV000841551.10), dbSNP rs996440530, ClinGen allele CA382901482.

ClinVar aggregate classification (germline): Pathogenic. Review status: criteria provided, single submitter (1 of 4 stars). 2 submissions from 2 submitters: Pathogenic (1). 1 of the submissions does not count toward it. Last evaluated 2025-04-19.

Conditions:
Glucose-6-phosphate transport defect (GSD1B). Also called: Glycogen Storage Disease Type Ib; GSD Ib. Identifiers: Orphanet 364, Orphanet 79259, MedGen C0268146, MONDO:0009288, OMIM 232220.

Submissions (2):

Labcorp Genetics (formerly Invitae), Labcorp
Classification: Pathogenic for Glucose-6-phosphate transport defect. Last evaluated: 2025-04-19. Review status: criteria provided, single submitter. Criteria: Invitae Variant Classification Sherloc (09022015). Collection method: clinical testing. Allele origin: germline.
Comment: This sequence change creates a premature translational stop signal (p.Tyr225*) in the SLC37A4 gene. It is expected to result in an absent or disrupted protein product. Loss-of-function variants in SLC37A4 are known to be pathogenic (PMID: 9758626, 10940311). This variant is not present in population databases (gnomAD no frequency). This premature translational stop signal has been observed in individual(s) with glycogen storage disease 1b (PMID: 10923042, 11949931). This variant is also known as 844C>A. ClinVar contains an entry for this variant (Variation ID: 841551). For these reasons, this variant has been classified as Pathogenic.

Natera, Inc.
Classification: Pathogenic for Glycogen storage disease type Ib. Last evaluated: 2021-09-08. Review status: no assertion criteria provided. Collection method: clinical testing. Allele origin: germline. Not counted in ClinVar's aggregate classification.

Literature cited by the submitters: PubMed 9758626 (cited by Labcorp Genetics (formerly Invitae), Labcorp); PubMed 10940311 (cited by Labcorp Genetics (formerly Invitae), Labcorp); PubMed 10923042 (cited by Labcorp Genetics (formerly Invitae), Labcorp); PubMed 11949931 (cited by Labcorp Genetics (formerly Invitae), Labcorp).